The following is an entry in ClinVar:

ClinVar aggregate classification (germline): Uncertain significance (1 of 4 stars; one submission).

Conditions:
Familial thoracic aortic aneurysm and aortic dissection (TAAD). Also called: Thoracic aortic aneurysms and dissections. Identifiers: Orphanet 91387, MedGen C4707243, MONDO:0019625.

gnomAD v4.1: 10 of 1,612,832 alleles (0.00062%); highest among the groups gnomAD compares: African/African-American, 0.0013%; no homozygotes.

Submission:

Ambry Genetics
Classification: Uncertain significance for Familial thoracic aortic aneurysm and aortic dissection. Last evaluated: 2026-03-07. Review status: criteria provided, single submitter. Criteria: Ambry Variant Classification Scheme 2023. Collection method: clinical testing. Allele origin: germline.
Comment: The p.I240M variant (also known as c.720C>G), located in coding exon 7 of the PLOD1 gene, results from a C to G substitution at nucleotide position 720. The isoleucine at codon 240 is replaced by methionine, an amino acid with highly similar properties. This amino acid position is conserved. In addition, the in silico prediction for this alteration is inconclusive. Based on the available evidence, the clinical significance of this variant remains unclear.

NM_000302.4(PLOD1):c.720C>G (p.Ile240Met)

Gene: PLOD1 (procollagen-lysine,2-oxoglutarate 5-dioxygenase 1; plus strand). Cytogenetic location: 1p36.22.
Variant type: single nucleotide variant.
Coding change: c.720C>G on transcript NM_000302.4 (MANE Select); coding-DNA position 720, C replaced by G.
Protein change: p.Ile240Met; replaces isoleucine 240 with methionine.
Molecular consequence: missense variant.
Genome position (GRCh38, 1-based): chr1:11,956,993, C>G. VCF-style: chr1-11956993-C-G. GRCh37 (hg19) VCF-style: chr1-12017050-C-G.
Other names: c.861C>G, p.Ile287Met (NM_001316320.2); short protein forms I240M, I287M.
Identifiers: ClinVar variation 4826525 (VCV004826525.1).